The following is an entry in ClinVar:

ClinVar aggregate classification (germline): Uncertain significance (1 of 4 stars; one submission).

Conditions:
Hereditary cancer-predisposing syndrome. Also called: Neoplastic Syndromes, Hereditary; Tumor predisposition; Hereditary neoplastic syndrome; Hereditary Cancer Syndrome. Identifiers: Orphanet 140162, MedGen C0027672, MeSH D009386, MONDO:0015356.

gnomAD v4.1: 1 of 1,614,132 alleles (0.000062%); highest among the groups gnomAD compares: Non-Finnish European, 0.000085%; no homozygotes.

Submission:

Ambry Genetics
Classification: Uncertain significance for Hereditary cancer-predisposing syndrome. Last evaluated: 2026-07-07. Review status: criteria provided, single submitter. Criteria: Ambry Variant Classification Scheme 2023. Collection method: clinical testing. Allele origin: germline.
Comment: The p.P1033T variant (also known as c.3097C>A), located in coding exon 14 of the MET gene, results from a C to A substitution at nucleotide position 3097. The proline at codon 1033 is replaced by threonine, an amino acid with highly similar properties. This amino acid position is conserved. In addition, this alteration is predicted to be deleterious by in silico analysis. Based on the available evidence, the clinical significance of this variant remains unclear.

NM_000245.4(MET):c.3097C>A (p.Pro1033Thr)

Gene: MET (MET proto-oncogene, receptor tyrosine kinase; plus strand). Cytogenetic location: 7q31.2.
Variant type: single nucleotide variant.
Coding change: c.3097C>A on transcript NM_000245.4 (MANE Select); coding-DNA position 3097, C replaced by A.
Protein change: p.Pro1033Thr; replaces proline 1033 with threonine.
Molecular consequence: missense variant.
Genome position (GRCh38, 1-based): chr7:116,774,949, C>A. VCF-style: chr7-116774949-C-A. GRCh37 (hg19) VCF-style: chr7-116415003-C-A.
Other names: c.3151C>A, p.Pro1051Thr (NM_001127500.3); c.1807C>A, p.Pro603Thr (NM_001324402.2); short protein forms P1033T, P1051T, P603T.
Identifiers: ClinVar variation 5024389 (VCV005024389.1).